The following is an entry in ClinVar:

ClinVar aggregate classification (germline): Uncertain significance. Review status: criteria provided, multiple submitters, no conflicts (2 of 4 stars). 2 submissions from 2 submitters: Uncertain significance (2). Last evaluated 2024-12-16.

Conditions:
Primary ciliary dyskinesia. Also called: Ciliary dyskinesia. Identifiers: Orphanet 244, MedGen C0008780, MONDO:0016575, HP:0012265.

Allele frequency attached by ClinVar (database versions not stated): ExAC 0.00001; gnomAD exomes 0.00003 and 0.00004; TOPMed 0.00003; gnomAD 0.00005 and 0.00006.
gnomAD v4.1: 50 of 1,603,072 alleles (0.0031%); highest among the groups gnomAD compares: Non-Finnish European, 0.004%; no homozygotes.

Submissions (2):

Ambry Genetics
Classification: Uncertain significance for Primary ciliary dyskinesia. Last evaluated: 2024-12-16. Review status: criteria provided, single submitter. Criteria: Ambry Variant Classification Scheme 2023. Collection method: clinical testing. Allele origin: germline.

Labcorp Genetics (formerly Invitae), Labcorp
Classification: Uncertain significance for Primary ciliary dyskinesia. Last evaluated: 2021-09-02. Review status: criteria provided, single submitter. Criteria: Invitae Variant Classification Sherloc (09022015). Collection method: clinical testing. Allele origin: germline.
Comment: This sequence change replaces valine with alanine at codon 416 of the DNAAF5 protein (p.Val416Ala). The valine residue is highly conserved and there is a small physicochemical difference between valine and alanine. This variant is present in population databases (rs762606868, ExAC 0.002%). This variant has not been reported in the literature in individuals affected with DNAAF5-related conditions. Algorithms developed to predict the effect of missense changes on protein structure and function are either unavailable or do not agree on the potential impact of this missense change (SIFT: "Deleterious"; PolyPhen-2: "Possibly Damaging"; Align-GVGD: "Class C0"). In summary, the available evidence is currently insufficient to determine the role of this variant in disease. Therefore, it has been classified as a Variant of Uncertain Significance.

NM_017802.4(DNAAF5):c.1247T>C (p.Val416Ala)

Gene: DNAAF5 (dynein axonemal assembly factor 5; plus strand). Cytogenetic location: 7p22.3.
Variant type: single nucleotide variant.
Coding change: c.1247T>C on transcript NM_017802.4 (MANE Select); coding-DNA position 1247, T replaced by C.
Protein change: p.Val416Ala; replaces valine 416 with alanine.
Molecular consequence: missense variant. On other transcripts: non-coding transcript variant (1).
Genome position (GRCh38, 1-based): chr7:754,811, T>C. VCF-style: chr7-754811-T-C. GRCh37 (hg19) VCF-style: chr7-794448-T-C.
Other names: short protein forms V416A.
Identifiers: ClinVar variation 410299 (VCV000410299.9), dbSNP rs762606868, ClinGen allele CA4110647.